The following is an entry in ClinVar:

ClinVar aggregate classification (germline): Uncertain significance (1 of 4 stars; one submission).

Conditions:
Hajdu-Cheney syndrome (HJCYS). Also called: ACROOSTEOLYSIS WITH OSTEOPOROSIS AND CHANGES IN SKULL AND MANDIBLE; SERPENTINE FIBULA-POLYCYSTIC KIDNEY SYNDROME; Acroosteolysis dominant type. Identifiers: Orphanet 955, MedGen C0917715, MONDO:0007057, OMIM 102500.

Submission:

Labcorp Genetics (formerly Invitae), Labcorp
Classification: Uncertain significance for Hajdu-Cheney syndrome. Last evaluated: 2026-02-01. Review status: criteria provided, single submitter. Criteria: Invitae Variant Classification Sherloc (09022015). Collection method: clinical testing. Allele origin: germline.
Comment: This sequence change replaces glutamine, which is neutral and polar, with histidine, which is basic and polar, at codon 270 of the NOTCH2 protein (p.Gln270His). This variant is not present in population databases (gnomAD no frequency). This variant has not been reported in the literature in individuals affected with NOTCH2-related conditions. Invitae Evidence Modeling of protein sequence and biophysical properties (such as structural, functional, and spatial information, amino acid conservation, physicochemical variation, residue mobility, and thermodynamic stability) indicates that this missense variant is not expected to disrupt NOTCH2 protein function with a negative predictive value of 95%. In summary, the available evidence is currently insufficient to determine the role of this variant in disease. Therefore, it has been classified as a Variant of Uncertain Significance.

NM_024408.4(NOTCH2):c.810G>C (p.Gln270His)

Gene: NOTCH2 (notch receptor 2; minus strand). Cytogenetic location: 1p12.
Variant type: single nucleotide variant.
Coding change: c.810G>C on transcript NM_024408.4 (MANE Select); coding-DNA position 810, G replaced by C.
Protein change: p.Gln270His; replaces glutamine 270 with histidine.
Molecular consequence: missense variant.
Genome position (GRCh38, 1-based): chr1:119,987,024, C>G on the plus strand (G>C on the coding strand, the complement: NOTCH2 is on the minus strand). VCF-style: chr1-119987024-C-G. GRCh37 (hg19) VCF-style: chr1-120529647-C-G.
Other names: c.810G>C, p.Gln270His (NM_001200001.2); short protein forms Q270H.
Identifiers: ClinVar variation 4799938 (VCV004799938.1).